The following is an entry in ClinVar:

NM_000038.6(APC):c.3835T>C (p.Ser1279Pro)

Gene: APC (APC regulator of Wnt signaling pathway; plus strand). Cytogenetic location: 5q22.2.
Variant type: single nucleotide variant.
Coding change: c.3835T>C on transcript NM_000038.6 (MANE Select); coding-DNA position 3835, T replaced by C.
Protein change: p.Ser1279Pro; replaces serine 1279 with proline.
Molecular consequence: missense variant.
Genome position (GRCh38, 1-based): chr5:112,839,429, T>C. VCF-style: chr5-112839429-T-C. GRCh37 (hg19) VCF-style: chr5-112175126-T-C.
Other names: c.3835T>C, p.Ser1279Pro (NM_001127510.3, NM_001354895.2); c.3781T>C, p.Ser1261Pro (NM_001127511.3); c.3889T>C, p.Ser1297Pro (NM_001354896.2); c.3865T>C, p.Ser1289Pro (NM_001354897.2); c.3760T>C, p.Ser1254Pro (NM_001354898.2); c.3751T>C, p.Ser1251Pro (NM_001354899.2); c.3712T>C, p.Ser1238Pro (NM_001354900.2); c.3658T>C, p.Ser1220Pro (NM_001354901.2); and 5 more; short protein forms S1178P, S1220P, S1251P, S1289P, S1297P, S1119P, S1279P, S1254P.
Identifiers: ClinVar variation 1497625 (VCV001497625.6), dbSNP rs2149900049, ClinGen allele CA16029745.

ClinVar aggregate classification (germline): Uncertain significance (1 of 4 stars; one submission).

Conditions:
Familial adenomatous polyposis 1 (FAP1). Also called: FAMILIAL ADENOMATOUS POLYPOSIS 1, ATTENUATED; POLYPOSIS, ADENOMATOUS INTESTINAL. Identifiers: MedGen C2713442, MONDO:0021056, OMIM 175100. Disease mechanism: loss of function.

Submission:

Labcorp Genetics (formerly Invitae), Labcorp
Classification: Uncertain significance for Familial adenomatous polyposis 1. Last evaluated: 2021-11-09. Review status: criteria provided, single submitter. Criteria: Invitae Variant Classification Sherloc (09022015). Collection method: clinical testing. Allele origin: germline.
Comment: In summary, the available evidence is currently insufficient to determine the role of this variant in disease. Therefore, it has been classified as a Variant of Uncertain Significance. This variant has not been reported in the literature in individuals affected with APC-related conditions. Algorithms developed to predict the effect of missense changes on protein structure and function are either unavailable or do not agree on the potential impact of this missense change (SIFT: "Deleterious"; PolyPhen-2: "Probably Damaging"; Align-GVGD: "Class C15"). This variant is not present in population databases (gnomAD no frequency). This sequence change replaces serine, which is neutral and polar, with proline, which is neutral and non-polar, at codon 1279 of the APC protein (p.Ser1279Pro).